The following is an entry in ClinVar:

ClinVar aggregate classification (germline): Uncertain significance (1 of 4 stars; one submission).

Allele frequency attached by ClinVar (database versions not stated): gnomAD exomes below 0.00001; TOPMed below 0.00001.
gnomAD v4.1: 1 of 1,595,350 alleles (0.000063%); highest among the groups gnomAD compares: Non-Finnish European, 0.000085%; no homozygotes.

Submission:

Ambry Genetics
Classification: Uncertain significance. Last evaluated: 2024-02-20. Review status: criteria provided, single submitter. Criteria: Ambry Variant Classification Scheme 2023. Collection method: clinical testing. Allele origin: germline.
Comment: The p.F20S variant (also known as c.59T>C), located in coding exon 1 of the FAM175A gene, results from a T to C substitution at nucleotide position 59. The phenylalanine at codon 20 is replaced by serine, an amino acid with highly dissimilar properties. This amino acid position is conserved. In addition, the in silico prediction for this alteration is inconclusive. Based on the available evidence, the clinical significance of this alteration remains unclear.

NM_139076.3(ABRAXAS1):c.59T>C (p.Phe20Ser)

Genes: ABRAXAS1 (abraxas 1, BRCA1 A complex subunit; minus strand), LOC129992784 (ATAC-STARR-seq lymphoblastoid silent region 15542; plus strand). Cytogenetic location: 4q21.23.
Variant type: single nucleotide variant.
Coding change: c.59T>C on transcript NM_139076.3 (MANE Select); coding-DNA position 59, T replaced by C.
Protein change: p.Phe20Ser; replaces phenylalanine 20 with serine.
Molecular consequence: missense variant. On other transcripts: 5 prime UTR variant (1).
Genome position (GRCh38, 1-based): chr4:83,485,014, A>G on the plus strand (T>C on the coding strand, the complement: ABRAXAS1 is on the minus strand). VCF-style: chr4-83485014-A-G. GRCh37 (hg19) VCF-style: chr4-84406167-A-G.
Other names: c.-202T>C (NM_001345962.2); short protein forms F20S.
Identifiers: ClinVar variation 3229153 (VCV003229153.1), dbSNP rs1723133404, ClinGen allele CA357263958.